The following is an entry in ClinVar:

ClinVar aggregate classification (germline): Uncertain significance. Review status: criteria provided, multiple submitters, no conflicts (2 of 4 stars). 2 submissions from 2 submitters: Uncertain significance (2). Last evaluated 2025-02-06.

Conditions:
Encephalopathy, acute, infection-induced (herpes-specific), susceptibility to, 1. Also called: Herpes simplex encephalitis, susceptibility to, 1. Identifiers: Orphanet 1930, MedGen C2750180, MONDO:0024563, OMIM 610551.

gnomAD v4.1: 9 of 1,614,200 alleles (0.00056%); highest among the groups gnomAD compares: Non-Finnish European, 0.00076%; no homozygotes.

Submissions (2):

Labcorp Genetics (formerly Invitae), Labcorp
Classification: Uncertain significance for Encephalopathy, acute, infection-induced (herpes-specific), susceptibility to, 1. Last evaluated: 2025-02-06. Review status: criteria provided, single submitter. Criteria: Invitae Variant Classification Sherloc (09022015). Collection method: clinical testing. Allele origin: germline.
Comment: This sequence change replaces aspartic acid, which is acidic and polar, with glycine, which is neutral and non-polar, at codon 524 of the TLR3 protein (p.Asp524Gly). This variant is present in population databases (no rsID available, gnomAD 0.002%). This variant has not been reported in the literature in individuals affected with TLR3-related conditions. ClinVar contains an entry for this variant (Variation ID: 3457046). An algorithm developed to predict the effect of missense changes on protein structure and function (PolyPhen-2) suggests that this variant is likely to be tolerated. In summary, the available evidence is currently insufficient to determine the role of this variant in disease. Therefore, it has been classified as a Variant of Uncertain Significance.

Ambry Genetics
Classification: Uncertain significance. Last evaluated: 2024-10-01. Review status: criteria provided, single submitter. Criteria: Ambry Variant Classification Scheme 2023. Collection method: clinical testing. Allele origin: germline.

NM_003265.3(TLR3):c.1571A>G (p.Asp524Gly)

Gene: TLR3 (toll like receptor 3; plus strand). Cytogenetic location: 4q35.1.
Variant type: single nucleotide variant.
Coding change: c.1571A>G on transcript NM_003265.3 (MANE Select); coding-DNA position 1571, A replaced by G.
Protein change: p.Asp524Gly; replaces aspartic acid 524 with glycine.
Molecular consequence: missense variant.
Genome position (GRCh38, 1-based): chr4:186,083,257, A>G. VCF-style: chr4-186083257-A-G. GRCh37 (hg19) VCF-style: chr4-187004411-A-G.
Other names: short protein forms D524G.
Identifiers: ClinVar variation 3457046 (VCV003457046.3).